The following is an entry in ClinVar:

ClinVar aggregate classification (germline): Likely benign. Review status: criteria provided, multiple submitters, no conflicts (2 of 4 stars). 8 submissions from 5 submitters: Likely benign (7). 1 of the submissions does not count toward it. Last evaluated 2026-01-15.

Conditions:
CACNA1S-related disorder. Also called: CACNA1S-related condition.
Hypokalemic periodic paralysis, type 1. Also called: Hypokalemic Periodic Paralysis Type 1 (AD); HypoPP. Identifiers: Orphanet 681, MedGen C3714580, MONDO:0042979, OMIM 170400.
Malignant hyperthermia, susceptibility to, 5 (MHS5). Also called: CACNA1S-Related Malignant Hyperthermia Susceptibility. Identifiers: Orphanet 423, MedGen C1866077, MONDO:0011163, OMIM 601887.
Thyrotoxic periodic paralysis, susceptibility to, 1 (TTPP1). Identifiers: Orphanet 79102, MedGen C2749982, MONDO:0008570, OMIM 188580.
Congenital myopathy 18. Also called: DIHYDROPYRIDINE RECEPTOR CONGENITAL MYOPATHY; DHPR CONGENITAL MYOPATHY; Myopathy, congenital, due to dihydropyridine receptor defect. Identifiers: MedGen C5830283, MONDO:0859514, OMIM 620246.

Allele frequency attached by ClinVar (database versions not stated): ExAC 0.00002; gnomAD exomes 0.00002; gnomAD 0.00005 and 0.00006; TOPMed 0.00005; 1000 Genomes Project 30x 0.00016; 1000 Genomes Project 0.00020.
gnomAD v4.1: 11 of 1,614,206 alleles (0.00068%); highest among the groups gnomAD compares: African/African-American, 0.013%; no homozygotes.

Submissions (8):

Labcorp Genetics (formerly Invitae), Labcorp
Classification: Likely benign for Hypokalemic periodic paralysis, type 1; Malignant hyperthermia, susceptibility to, 5. Last evaluated: 2026-01-15. Review status: criteria provided, single submitter. Criteria: Invitae Variant Classification Sherloc (09022015). Collection method: clinical testing. Allele origin: germline.

Genome-Nilou Lab
Classification: Likely benign for Malignant hyperthermia, susceptibility to, 5. Last evaluated: 2023-04-11. Review status: criteria provided, single submitter. Criteria: ACMG Guidelines, 2015. Collection method: clinical testing. Allele origin: germline. Affected: no.

Genome-Nilou Lab
Classification: Likely benign for Thyrotoxic periodic paralysis, susceptibility to, 1. Last evaluated: 2023-04-11. Review status: criteria provided, single submitter. Criteria: ACMG Guidelines, 2015. Collection method: clinical testing. Allele origin: germline. Affected: no.

Genome-Nilou Lab
Classification: Likely benign for Congenital myopathy 18. Last evaluated: 2023-04-11. Review status: criteria provided, single submitter. Criteria: ACMG Guidelines, 2015. Collection method: clinical testing. Allele origin: germline. Affected: no.

Genome-Nilou Lab
Classification: Likely benign for Hypokalemic periodic paralysis, type 1. Last evaluated: 2023-04-11. Review status: criteria provided, single submitter. Criteria: ACMG Guidelines, 2015. Collection method: clinical testing. Allele origin: germline. Affected: no.

Color Diagnostics, LLC DBA Color Health
Classification: Likely benign for Malignant hyperthermia, susceptibility to, 5. Last evaluated: 2022-11-06. Review status: criteria provided, single submitter. Criteria: ACMG Guidelines, 2015. Collection method: clinical testing. Allele origin: germline.

Fulgent Genetics
Classification: Likely benign for Hypokalemic periodic paralysis, type 1; Thyrotoxic periodic paralysis, susceptibility to, 1; Malignant hyperthermia, susceptibility to, 5. Last evaluated: 2022-03-22. Review status: criteria provided, single submitter. Criteria: ACMG Guidelines, 2015. Collection method: clinical testing. Allele origin: unknown.

PreventionGenetics, part of Exact Sciences
Classification: Likely benign for CACNA1S-related condition. Last evaluated: 2021-10-05. Review status: no assertion criteria provided. Collection method: clinical testing. Allele origin: germline. Not counted in ClinVar's aggregate classification.
Comment: This variant is classified as likely benign based on ACMG/AMP sequence variant interpretation guidelines (Richards et al. 2015 PMID: 25741868, with internal and published modifications).

NM_000069.3(CACNA1S):c.3210G>A (p.Glu1070=)

Gene: CACNA1S (calcium voltage-gated channel subunit alpha1 S; minus strand). Cytogenetic location: 1q32.1.
Variant type: single nucleotide variant.
Coding change: c.3210G>A on transcript NM_000069.3 (MANE Select); coding-DNA position 3210, G replaced by A.
Protein change: p.Glu1070=; no amino-acid change (glutamic acid 1070 retained).
Molecular consequence: synonymous variant.
Genome position (GRCh38, 1-based): chr1:201,061,312, C>T on the plus strand (G>A on the coding strand, the complement: CACNA1S is on the minus strand). VCF-style: chr1-201061312-C-T. GRCh37 (hg19) VCF-style: chr1-201030440-C-T.
Identifiers: ClinVar variation 704617 (VCV000704617.13), dbSNP rs200893062, ClinGen allele CA079595.